The following is an entry in ClinVar:

ClinVar aggregate classification (germline): Uncertain significance. Review status: criteria provided, multiple submitters, no conflicts (2 of 4 stars). 2 submissions from 2 submitters: Uncertain significance (2). Last evaluated 2023-11-24.

Conditions:
Brugada syndrome. Also called: Sudden unexpected nocturnal death syndrome; Sudden unexplained nocturnal death syndrome; Sudden Unexplained Death Syndrome; Sudden Unexplained Nocturnal Death Syndrome (SUNDS). Identifiers: Orphanet 130, MedGen C1142166, MONDO:0015263.
Cardiovascular phenotype. Identifiers: MedGen CN230736.

Allele frequency attached by ClinVar (database versions not stated): TOPMed below 0.00001; gnomAD 0.00001; gnomAD exomes 0.00001.
gnomAD v4.1: 11 of 1,570,616 alleles (0.0007%); highest among the groups gnomAD compares: African/African-American, 0.0027%; no homozygotes.

Submissions (2):

Labcorp Genetics (formerly Invitae), Labcorp
Classification: Uncertain significance for Brugada syndrome. Last evaluated: 2023-11-24. Review status: criteria provided, single submitter. Criteria: Invitae Variant Classification Sherloc (09022015). Collection method: clinical testing. Allele origin: germline.
Comment: This sequence change replaces tyrosine, which is neutral and polar, with cysteine, which is neutral and slightly polar, at codon 611 of the CACNA2D1 protein (p.Tyr611Cys). This variant is present in population databases (no rsID available, gnomAD 0.004%). This variant has not been reported in the literature in individuals affected with CACNA2D1-related conditions. ClinVar contains an entry for this variant (Variation ID: 2565395). An algorithm developed to predict the effect of missense changes on protein structure and function (PolyPhen-2) suggests that this variant is likely to be disruptive. In summary, the available evidence is currently insufficient to determine the role of this variant in disease. Therefore, it has been classified as a Variant of Uncertain Significance.

Ambry Genetics
Classification: Uncertain significance for Cardiovascular phenotype. Last evaluated: 2023-06-05. Review status: criteria provided, single submitter. Criteria: Ambry Variant Classification Scheme 2023. Collection method: clinical testing. Allele origin: germline.
Comment: The p.Y611C variant (also known as c.1832A>G), located in coding exon 22 of the CACNA2D1 gene, results from an A to G substitution at nucleotide position 1832. The tyrosine at codon 611 is replaced by cysteine, an amino acid with highly dissimilar properties. This amino acid position is conserved. In addition, this alteration is predicted to be deleterious by in silico analysis. Since supporting evidence is limited at this time, the clinical significance of this alteration remains unclear.

NM_000722.4(CACNA2D1):c.1832A>G (p.Tyr611Cys)

Gene: CACNA2D1 (calcium voltage-gated channel auxiliary subunit alpha2delta 1; minus strand). Cytogenetic location: 7q21.11.
Variant type: single nucleotide variant.
Coding change: c.1832A>G on transcript NM_000722.4 (MANE Select); coding-DNA position 1832, A replaced by G.
Protein change: p.Tyr611Cys; replaces tyrosine 611 with cysteine.
Molecular consequence: missense variant.
Genome position (GRCh38, 1-based): chr7:81,984,676, T>C on the plus strand (A>G on the coding strand, the complement: CACNA2D1 is on the minus strand). VCF-style: chr7-81984676-T-C. GRCh37 (hg19) VCF-style: chr7-81613992-T-C.
Other names: c.1889A>G, p.Tyr630Cys (NM_001366867.1); short protein forms Y630C, Y611C.
Identifiers: ClinVar variation 2565395 (VCV002565395.5), dbSNP rs773908607, ClinGen allele CA367876234.